The following is an entry in ClinVar:

NM_000240.4(MAOA):c.1306G>A (p.Glu436Lys)

Gene: MAOA (monoamine oxidase A; plus strand). Cytogenetic location: Xp11.3.
Variant type: single nucleotide variant.
Coding change: c.1306G>A on transcript NM_000240.4 (MANE Select); coding-DNA position 1306, G replaced by A.
Protein change: p.Glu436Lys; replaces glutamic acid 436 with lysine.
Molecular consequence: missense variant.
Genome position (GRCh38, 1-based): chrX:43,743,837, G>A. VCF-style: chrX-43743837-G-A. GRCh37 (hg19) VCF-style: chrX-43603084-G-A.
Other names: c.907G>A, p.Glu303Lys (NM_001270458.2); short protein forms E303K, E436K.
Identifiers: ClinVar variation 4882403 (VCV004882403.2).

ClinVar aggregate classification (germline): Uncertain significance (1 of 4 stars; one submission).

Conditions:
Brunner syndrome (BRNRS). Identifiers: Orphanet 3057, MedGen C0796275, MONDO:0010379, OMIM 300615.

Submission:

Dasa
Classification: Uncertain significance for Brunner syndrome. Last evaluated: 2025-12-29. Review status: criteria provided, single submitter. Criteria: DASA Assertion Criteria. Collection method: clinical testing. Allele origin: germline.
Comment: NM_000240.4(MAOA):c.1306G>A (p.Glu436Lys) is a missense variant that results in the substitution of glutamic acid with lysine. This variant is rare in population databases. Computational prediction algorithms are consistent with a deleterious effect. The currently available literature and clinical evidence are not sufficient to establish a definitive association between this variant and the reported condition. Therefore, this variant is classified as a variant of uncertain significance.